The following is an entry in ClinVar:

NM_033305.3(VPS13A):c.4369_4372del (p.Cys1456_Ile1457insTer)

Gene: VPS13A (vacuolar protein sorting 13 homolog A; plus strand). Cytogenetic location: 9q21.2.
Variant type: Deletion.
Coding change: c.4369_4372del on transcript NM_033305.3 (MANE Select); coding-DNA positions 4369 to 4372, 4 bases deleted (ATTT; older notation c.4369_4372delATTT).
Protein change: p.Cys1456_Ile1457insTer.
Molecular consequence: nonsense.
Genome position (GRCh38, 1-based): chr9:77,314,621-77,314,624, ATTT deleted; deleting any 4 consecutive bases within chr9:77,314,620-77,314,624 gives the same sequence; the c. name uses the placement nearest the transcript's 3' end. VCF-style (leftmost placement, unchanged base first): chr9-77314619-GTATT-G. GRCh37 (hg19) VCF-style: chr9-79929535-GTATT-G.
Other names: c.4252_4255del, p.Cys1417_Ile1418insTer (NM_001018037.2); c.4369_4372del, p.Cys1456_Ile1457insTer (NM_001018038.3, NM_015186.4).
Identifiers: ClinVar variation 4806401 (VCV004806401.1).

ClinVar aggregate classification (germline): Pathogenic (1 of 4 stars; one submission).

Submission:

Labcorp Genetics (formerly Invitae), Labcorp
Classification: Pathogenic. Last evaluated: 2025-03-22. Review status: criteria provided, single submitter. Criteria: Invitae Variant Classification Sherloc (09022015). Collection method: clinical testing. Allele origin: germline.
Comment: This sequence change creates a premature translational stop signal (p.Ile1457*) in the VPS13A gene. It is expected to result in an absent or disrupted protein product. Loss-of-function variants in VPS13A are known to be pathogenic (PMID: 12404112, 21598378). This variant is not present in population databases (gnomAD no frequency). This variant has not been reported in the literature in individuals affected with VPS13A-related conditions. For these reasons, this variant has been classified as Pathogenic.

Literature cited by the submitters: PubMed 12404112; PubMed 21598378.